The following is an entry in ClinVar:

ClinVar aggregate classification (germline): Uncertain significance (1 of 4 stars; one submission).

Allele frequency attached by ClinVar (database versions not stated): gnomAD 0.00001; TOPMed 0.00001.
gnomAD v4.1: 2 of 1,612,870 alleles (0.00012%); highest among the groups gnomAD compares: Non-Finnish European, 0.00017%; no homozygotes.

Submission:

Labcorp Genetics (formerly Invitae), Labcorp
Classification: Uncertain significance. Last evaluated: 2021-01-13. Review status: criteria provided, single submitter. Criteria: Invitae Variant Classification Sherloc (09022015). Collection method: clinical testing. Allele origin: germline.
Comment: In summary, the available evidence is currently insufficient to determine the role of this variant in disease. Therefore, it has been classified as a Variant of Uncertain Significance. Algorithms developed to predict the effect of missense changes on protein structure and function are either unavailable or do not agree on the potential impact of this missense change (SIFT: "Deleterious"; PolyPhen-2: "Probably Damaging"; Align-GVGD: "Class C0"). This variant has not been reported in the literature in individuals with RETREG1-related conditions. This variant is not present in population databases (ExAC no frequency). This sequence change replaces threonine with proline at codon 331 of the RETREG1 protein (p.Thr331Pro). The threonine residue is highly conserved and there is a small physicochemical difference between threonine and proline.

NM_001034850.3(RETREG1):c.991A>C (p.Thr331Pro)

Gene: RETREG1 (reticulophagy regulator 1; minus strand). Cytogenetic location: 5p15.1.
Variant type: single nucleotide variant.
Coding change: c.991A>C on transcript NM_001034850.3 (MANE Select); coding-DNA position 991, A replaced by C.
Protein change: p.Thr331Pro; replaces threonine 331 with proline.
Molecular consequence: missense variant.
Genome position (GRCh38, 1-based): chr5:16,477,671, T>G on the plus strand (A>C on the coding strand, the complement: RETREG1 is on the minus strand). VCF-style: chr5-16477671-T-G. GRCh37 (hg19) VCF-style: chr5-16477780-T-G.
Other names: c.568A>C, p.Thr190Pro (NM_019000.5); short protein forms T190P, T331P.
Identifiers: ClinVar variation 1472007 (VCV001472007.8), dbSNP rs1330411518, ClinGen allele CA359257639.
Genomic context (GRCh38, chr5:16,477,671, plus strand): 5'-TAGTTTTGTATGCACTCATAAAAATAAATGTCTCCAGAAATATTAGCATACCATCAGAAG[T>G]GTCTGTCTGTGGAGTGTATCCTTCTGAAAGGTTGAAGGTCCCATTATCAGTCCAGGATAC-3'
Protein context (NP_001030022.1, residues 321-341): LSEGYTPQTD[Thr331Pro]SDDLDRPSEE